The following is an entry in ClinVar:

ClinVar aggregate classification (germline): Benign/Likely benign. Review status: criteria provided, multiple submitters, no conflicts (2 of 4 stars). 6 submissions from 6 submitters: Benign (2); Likely benign (3). 1 of the submissions does not count toward it. Last evaluated 2025-10-10.

Conditions:
LAMC3-related disorder. Also called: LAMC3-related condition.

Allele frequency attached by ClinVar (database versions not stated): gnomAD 0.00002 and 0.00015; TOPMed 0.00003; gnomAD exomes 0.00030 and 0.00053; ExAC 0.00059; 1000 Genomes Project 30x 0.00078; 1000 Genomes Project 0.00080.
gnomAD v4.1: 459 of 1,607,418 alleles (0.029%); highest among the groups gnomAD compares: South Asian, 0.47%; 2 homozygotes.

Submissions (6):

Labcorp Genetics (formerly Invitae), Labcorp
Classification: Benign. Last evaluated: 2025-10-10. Review status: criteria provided, single submitter. Criteria: Invitae Variant Classification Sherloc (09022015). Collection method: clinical testing. Allele origin: germline.

CeGaT Center for Human Genetics Tuebingen
Classification: Likely benign. Last evaluated: 2025-04-01. Review status: criteria provided, single submitter. Criteria: CeGaT Center For Human Genetics Tuebingen Variant Classification Criteria Version 2. Collection method: clinical testing. Allele origin: germline. Affected: yes. Observed: 1 variant allele.
Comment: LAMC3: BP4, BP7

Women's Health and Genetics/Laboratory Corporation of America, LabCorp
Classification: Likely benign. Last evaluated: 2024-02-07. Review status: criteria provided, single submitter. Criteria: LabCorp Variant Classification Summary - May 2015. Collection method: clinical testing. Allele origin: germline.

GeneDx
Classification: Likely benign. Last evaluated: 2020-03-15. Review status: criteria provided, single submitter. Criteria: GeneDx Variant Classification Process June 2021. Collection method: clinical testing. Allele origin: germline. Affected: yes.

Eurofins Ntd Llc (ga)
Classification: Benign. Last evaluated: 2015-10-14. Review status: criteria provided, single submitter. Criteria: EGL Classification Definitions 2015. Collection method: clinical testing. Allele origin: germline. Observed: 1 variant allele, 1 heterozygote.

PreventionGenetics, part of Exact Sciences
Classification: Likely benign for LAMC3-related condition. Last evaluated: 2019-06-28. Review status: no assertion criteria provided. Collection method: clinical testing. Allele origin: germline. Not counted in ClinVar's aggregate classification.
Comment: This variant is classified as likely benign based on ACMG/AMP sequence variant interpretation guidelines (Richards et al. 2015 PMID: 25741868, with internal and published modifications).

NM_006059.4(LAMC3):c.3624G>A (p.Glu1208=)

Gene: LAMC3 (laminin subunit gamma 3; plus strand). Cytogenetic location: 9q34.12.
Variant type: single nucleotide variant.
Coding change: c.3624G>A on transcript NM_006059.4 (MANE Select); coding-DNA position 3624, G replaced by A.
Protein change: p.Glu1208=; no amino-acid change (glutamic acid 1208 retained).
Molecular consequence: synonymous variant.
Genome position (GRCh38, 1-based): chr9:131,075,960, G>A. VCF-style: chr9-131075960-G-A. GRCh37 (hg19) VCF-style: chr9-133951347-G-A.
Identifiers: ClinVar variation 283850 (VCV000283850.23), dbSNP rs569440839, ClinGen allele CA5287863.
Genomic context (GRCh38, chr9:131,075,960, plus strand): 5'-CGCGCTTCTCTGGAATCTGCTGGAGGGAAGGGTGGCCCTAGAGACCCAGCGGGACCTGGA[G>A]GACAGGTGAGGCCTCCCCAGGTGTGGGTAGAAACTTTGGGGTTGGCCTCCTGGAGCCAAC-3'
Protein context (NP_006050.3, residues 1198-1218): RVALETQRDL[Glu1208=]DRYQEVQAAQ